The following is an entry in ClinVar:

ClinVar aggregate classification (germline): Uncertain significance. Review status: criteria provided, multiple submitters, no conflicts (2 of 4 stars). 10 submissions from 10 submitters: Uncertain significance (8). 2 of the submissions do not count toward it. Last evaluated 2025-06-18.

Conditions:
Cardiovascular phenotype. Identifiers: MedGen CN230736.
MYH7-related skeletal myopathy. Also called: MYOPATHY, DISTAL, EARLY-ONSET, AUTOSOMAL DOMINANT; MYOPATHY, LATE DISTAL HEREDITARY; Laing distal myopathy; Laing early-onset distal myopathy; Myopathy, distal, 1. Identifiers: Orphanet 59135, MedGen C4552004, MONDO:0008050, OMIM 160500.
Hypertrophic cardiomyopathy 1 (CMH1). Also called: Familial hypertrophic cardiomyopathy 1; MYH7-Related Familial Hypertrophic Cardiomyopathy. Identifiers: MedGen C3495498, MONDO:0008647, OMIM 192600.
Myopathy, myosin storage, autosomal recessive (CMYO7B). Also called: CONGENITAL MYOPATHY 7B, MYOSIN STORAGE, AUTOSOMAL RECESSIVE. Identifiers: Orphanet 636970, MedGen C1850709, MONDO:0009708, OMIM 255160.
Myosin storage myopathy (CMYO7A). Also called: MYH7-related late-onset scapuloperoneal muscular dystrophy; Congenital myopathy 7A, myosin storage, autosomal dominant; MYOPATHY, HYALINE BODY, AUTOSOMAL DOMINANT; Scapuloperoneal myopathy, MYH7-related; MYOPATHY WITH LYSIS OF TYPE I MYOFIBRILS; SCAPULOPERONEAL MUSCULAR DYSTROPHY. Identifiers: Orphanet 437572, Orphanet 636965, MedGen C1842160, MONDO:0008409, OMIM 608358.
Congenital myopathy with fiber type disproportion. Also called: Congenital fiber-type disproportion; Congenital fiber-type disproportion myopathy. Identifiers: Orphanet 2020, MedGen C0546264, MONDO:0009711. Inheritance: all.
Dilated cardiomyopathy 1S (CMD1S). Identifiers: Orphanet 154, Orphanet 54260, MedGen C1834481, MONDO:0013262, OMIM 613426.
Cardiomyopathy (CMYO). Also called: Cardiomyopathies. Identifiers: Orphanet 167848, MedGen C0878544, MONDO:0004994, HP:0001638. Inheritance: Various modes of inheritance.
Hypertrophic cardiomyopathy. Also called: HYPERTROPHIC MYOCARDIOPATHY. Identifiers: Orphanet 217569, MedGen C0007194, MeSH D002312, MONDO:0005045, HP:0001639.

Allele frequency attached by ClinVar (database versions not stated): gnomAD exomes 0.00002 and 0.00004; TOPMed 0.00005; ExAC 0.00008; ESP Exome Variant Server 0.00008; gnomAD 0.00009.
gnomAD v4.1: 43 of 1,614,034 alleles (0.0027%); highest among the groups gnomAD compares: Admixed American, 0.005%; no homozygotes.

Submissions (10):

GeneDx
Classification: Uncertain significance. Last evaluated: 2025-06-18. Review status: criteria provided, single submitter. Criteria: GeneDx Variant Classification Process June 2021. Collection method: clinical testing. Allele origin: germline. Affected: yes.
Comment: Reported in individuals with HCM, ARVC and unspecified cardiomyopathy; however, clinical details were limited and the variant did not segregate with disease in at least one affected family member (PMID: 27194543, 40225148, 15483641, 22555271, 23299917, 23054336, 24111713); In silico analysis supports that this missense variant has a deleterious effect on protein structure/function; This variant is associated with the following publications: (PMID: 23299917, 19035361, 24111713, 22555271, 33232181, 23054336, 34542152, 35653365, 30847666, 27194543, 40225148, 15483641)

Ambry Genetics
Classification: Uncertain significance for Cardiovascular phenotype. Last evaluated: 2025-06-09. Review status: criteria provided, single submitter. Criteria: Ambry Variant Classification Scheme 2023. Collection method: clinical testing. Allele origin: germline.
Comment: The p.R1475C variant (also known as c.4423C>T), located in coding exon 30 of the MYH7 gene, results from a C to T substitution at nucleotide position 4423. The arginine at codon 1475 is replaced by cysteine, an amino acid with highly dissimilar properties. This variant has been reported in multiple individuals in several cardiomyopathy and arrhythmia genetic testing cohorts; however, clinical details were limited, and additional cardiac variants were detected in some cases (Hougs L et al. Eur J Hum Genet, 2005 Feb;13:161-5; Kindel SJ et al. J Card Fail, 2012 May;18:396-403; Miller EM et al. J Genet Couns, 2013 Apr;22:258-67; Berge KE et al. Clin Genet, 2014 Oct;86:355-60; Medeiros-Domingo A et al. Europace, 2017 Jun;19:1063-1069; van Lint FHM et al. Neth Heart J, 2019 Jun;27:304-309). This variant has also been seen in an exome cohort, but cardiovascular history was not provided (Andreasen C et al. Eur J Hum Genet, 2013 Sep;21:918-28). This alteration was also reported in a biobank cohort (Park J et al. Hum Mol Genet, 2022 Mar;31:827-837). This amino acid position is highly conserved in available vertebrate species. In addition, this alteration is predicted to be deleterious by in silico analysis. Based on the available evidence, the clinical significance of this variant remains unclear.

CeGaT Center for Human Genetics Tuebingen
Classification: Uncertain significance. Last evaluated: 2025-03-01. Review status: criteria provided, single submitter. Criteria: CeGaT Center For Human Genetics Tuebingen Variant Classification Criteria Version 2. Collection method: clinical testing. Allele origin: germline. Affected: yes. Observed: 1 variant allele.
Comment: MYH7: PS4:Moderate, PM2:Supporting, PP3, BS4

Labcorp Genetics (formerly Invitae), Labcorp
Classification: Uncertain significance for Hypertrophic cardiomyopathy. Last evaluated: 2025-01-20. Review status: criteria provided, single submitter. Criteria: Invitae Variant Classification Sherloc (09022015). Collection method: clinical testing. Allele origin: germline.
Comment: This sequence change replaces arginine, which is basic and polar, with cysteine, which is neutral and slightly polar, at codon 1475 of the MYH7 protein (p.Arg1475Cys). This variant is present in population databases (rs139646545, gnomAD 0.01%). This missense change has been observed in individual(s) with hypertrophic or arrhythmogenic right ventricular cardiomyopathy (PMID: 15483641, 22555271, 23054336, 24111713, 30847666, 33232181, 35653365). ClinVar contains an entry for this variant (Variation ID: 181256). Invitae Evidence Modeling of protein sequence and biophysical properties (such as structural, functional, and spatial information, amino acid conservation, physicochemical variation, residue mobility, and thermodynamic stability) indicates that this missense variant is expected to disrupt MYH7 protein function with a positive predictive value of 95%. In summary, the available evidence is currently insufficient to determine the role of this variant in disease. Therefore, it has been classified as a Variant of Uncertain Significance.

All of Us Research Program, National Institutes of Health
Classification: Uncertain significance for Cardiomyopathy. Last evaluated: 2023-12-18. Review status: criteria provided, single submitter. Criteria: ACMG Guidelines, 2015. Collection method: clinical testing. Allele origin: germline. Inheritance: Autosomal dominant inheritance. Observed: 17 variant alleles, 17 heterozygotes.
Comment: This missense variant replaces arginine with cysteine at codon 1475 of the MYH7 protein. Computational prediction tools indicate that this variant's impact on protein structure and function is inconclusive. To our knowledge, functional studies have not been reported for this variant. This variant has been reported in several unrelated individuals affected with hypertrophic cardiomyopathy (PMID: 15483641, 22555271, 23054336, 24111713), in one individual affected with arrhythmogenic right ventricular cardiomyopathy (PMID: 27194543), and in one individual affected with noncompaction cardiomyopathy (PMID: 30847666). This variant has been identified in 13/282862 chromosomes in the general population by the Genome Aggregation Database (gnomAD). The available evidence is insufficient to determine the role of this variant in disease conclusively. Therefore, this variant is classified as a Variant of Uncertain Significance.

This study involves interpretation of variants in research participants for the purpose of population health screening. Participant phenotype was not available at the time of variant classification. Additional details can be found in publication PMID: 35346344, PMCID: PMC8962531

Color Diagnostics, LLC DBA Color Health
Classification: Uncertain significance for Cardiomyopathy. Last evaluated: 2023-11-27. Review status: criteria provided, single submitter. Criteria: ACMG Guidelines, 2015. Collection method: clinical testing. Allele origin: germline.
Comment: This missense variant replaces arginine with cysteine at codon 1475 of the MYH7 protein. Computational prediction tools indicate that this variant's impact on protein structure and function is inconclusive. To our knowledge, functional studies have not been reported for this variant. This variant has been reported in several unrelated individuals affected with hypertrophic cardiomyopathy (PMID: 15483641, 22555271, 23054336, 24111713), in one individual affected with arrhythmogenic right ventricular cardiomyopathy (PMID: 27194543), and in one individual affected with noncompaction cardiomyopathy (PMID: 30847666). This variant has been identified in 13/282862 chromosomes in the general population by the Genome Aggregation Database (gnomAD). The available evidence is insufficient to determine the role of this variant in disease conclusively. Therefore, this variant is classified as a Variant of Uncertain Significance.

Fulgent Genetics
Classification: Uncertain significance for MYH7-related skeletal myopathy; Myosin storage myopathy; Hypertrophic cardiomyopathy 1; Myopathy, myosin storage, autosomal recessive; Congenital myopathy 4A, autosomal dominant; Dilated cardiomyopathy 1S. Last evaluated: 2021-08-09. Review status: criteria provided, single submitter. Criteria: ACMG Guidelines, 2015. Collection method: clinical testing. Allele origin: unknown.

Center for Pediatric Genomic Medicine, Children's Mercy Hospital and Clinics
Classification: Uncertain significance. Last evaluated: 2017-05-01. Review status: criteria provided, single submitter. Criteria: ACMG Guidelines, 2015. Collection method: clinical testing. Allele origin: germline.

Clinical Genetics, Academic Medical Center
Classification: Likely benign. Review status: no assertion criteria provided. Collection method: clinical testing. Allele origin: germline. Affected: yes. Study: VKGL Data-share Consensus. Not counted in ClinVar's aggregate classification.

Laboratory of Diagnostic Genome Analysis, Leiden University Medical Center (LUMC)
Classification: Likely benign. Review status: no assertion criteria provided. Collection method: clinical testing. Allele origin: germline. Affected: yes. Study: VKGL Data-share Consensus. Not counted in ClinVar's aggregate classification.

Literature cited by the submitters: PubMed 15483641 (cited by 4 submitters); PubMed 22555271 (cited by 4 submitters); PubMed 23054336 (cited by 4 submitters); PubMed 23299917 (cited by Ambry Genetics); PubMed 24111713 (cited by 4 submitters); PubMed 27194543 (cited by 3 submitters); PubMed 30847666 (cited by 4 submitters); PubMed 33232181 (cited by Ambry Genetics and Labcorp Genetics (formerly Invitae), Labcorp); PubMed 34542152 (cited by Ambry Genetics); PubMed 35653365 (cited by Ambry Genetics and Labcorp Genetics (formerly Invitae), Labcorp).

NM_000257.4(MYH7):c.4423C>T (p.Arg1475Cys)

Genes: MHRT (myosin heavy chain associated RNA transcript; plus strand), MYH7 (myosin heavy chain 7; minus strand). Cytogenetic location: 14q11.2.
Variant type: single nucleotide variant.
Coding change: c.4423C>T on transcript NM_000257.4 (MANE Select); coding-DNA position 4423, C replaced by T.
Protein change: p.Arg1475Cys; replaces arginine 1475 with cysteine.
Molecular consequence: missense variant. On other transcripts: non-coding transcript variant (1).
Genome position (GRCh38, 1-based): chr14:23,417,249, G>A on the plus strand (C>T on the coding strand, the complement: MYH7 is on the minus strand). VCF-style: chr14-23417249-G-A. GRCh37 (hg19) VCF-style: chr14-23886458-G-A.
Other names: p.R1475C:CGC>TGC; c.4423C>T (LRG_384t1); short protein forms R1475C.
Identifiers: ClinVar variation 181256 (VCV000181256.40), dbSNP rs139646545, ClinGen allele CA014962.